The following is an entry in ClinVar:

ClinVar aggregate classification (germline): Uncertain significance (1 of 4 stars; one submission).

Conditions:
Bethlem myopathy 1A. Also called: Bethlem myopathy 1; MYOPATHY, BENIGN CONGENITAL, WITH CONTRACTURES; Bethlem Muscular Dystrophy. Identifiers: Orphanet 610, MedGen CN029274, MONDO:0024530, OMIM 158810.

Submission:

Labcorp Genetics (formerly Invitae), Labcorp
Classification: Uncertain significance for Bethlem myopathy 1A. Last evaluated: 2023-09-15. Review status: criteria provided, single submitter. Criteria: Invitae Variant Classification Sherloc (09022015). Collection method: clinical testing. Allele origin: germline.
Comment: In summary, the available evidence is currently insufficient to determine the role of this variant in disease. Therefore, it has been classified as a Variant of Uncertain Significance. Advanced modeling of protein sequence and biophysical properties (such as structural, functional, and spatial information, amino acid conservation, physicochemical variation, residue mobility, and thermodynamic stability) performed at Invitae indicates that this missense variant is not expected to disrupt COL6A3 protein function. This variant has not been reported in the literature in individuals affected with COL6A3-related conditions. This variant is not present in population databases (gnomAD no frequency). This sequence change replaces phenylalanine, which is neutral and non-polar, with leucine, which is neutral and non-polar, at codon 1613 of the COL6A3 protein (p.Phe1613Leu).

NM_004369.4(COL6A3):c.4837T>C (p.Phe1613Leu)

Gene: COL6A3 (collagen type VI alpha 3 chain; minus strand). Cytogenetic location: 2q37.3.
Variant type: single nucleotide variant.
Coding change: c.4837T>C on transcript NM_004369.4 (MANE Select); coding-DNA position 4837, T replaced by C.
Protein change: p.Phe1613Leu; replaces phenylalanine 1613 with leucine.
Molecular consequence: missense variant.
Genome position (GRCh38, 1-based): chr2:237,368,626, A>G on the plus strand (T>C on the coding strand, the complement: COL6A3 is on the minus strand). VCF-style: chr2-237368626-A-G. GRCh37 (hg19) VCF-style: chr2-238277269-A-G.
Other names: c.3016T>C, p.Phe1006Leu (NM_057166.5); c.4219T>C, p.Phe1407Leu (NM_057167.4); short protein forms F1006L, F1613L, F1407L.
Identifiers: ClinVar variation 2857498 (VCV002857498.3), dbSNP rs2469888093, ClinGen allele CA351190818.
Genomic context (GRCh38, chr2:237,368,626, plus strand): 5'-GCCGTGAAGGAGGAGGGGTGTCCACCCCTGGAGGTGCAGGAGTGGCTGCGGAGGGTCCAA[A>G]CGAGTTCATGATTCTTTCTTCTATGTTGGGAAGCTCTCTGAACTCTCGCACTGTGAAGAC-3'
Protein context (NP_004360.2, residues 1603-1623): PNIEERIMNS[Phe1613Leu]GPSAATPAPP